The following is an entry in ClinVar:

NM_031935.3(HMCN1):c.10467G>T (p.Met3489Ile)

Gene: HMCN1 (hemicentin 1; plus strand). Cytogenetic location: 1q31.1.
Variant type: single nucleotide variant.
Coding change: c.10467G>T on transcript NM_031935.3 (MANE Select); coding-DNA position 10467, G replaced by T.
Protein change: p.Met3489Ile; replaces methionine 3489 with isoleucine.
Molecular consequence: missense variant.
Genome position (GRCh38, 1-based): chr1:186,095,415, G>T. VCF-style: chr1-186095415-G-T. GRCh37 (hg19) VCF-style: chr1-186064547-G-T.
Other names: short protein forms M3489I.
Identifiers: ClinVar variation 2175004 (VCV002175004.4), dbSNP rs757041629, ClinGen allele CA1293730.

ClinVar aggregate classification (germline): Uncertain significance (1 of 4 stars; one submission).

Allele frequency attached by ClinVar (database versions not stated): gnomAD 0.00001; gnomAD exomes 0.00003; ExAC 0.00004.
gnomAD v4.1: 41 of 1,613,708 alleles (0.0025%); highest among the groups gnomAD compares: South Asian, 0.045%; no homozygotes.

Submission:

Labcorp Genetics (formerly Invitae), Labcorp
Classification: Uncertain significance. Last evaluated: 2023-08-04. Review status: criteria provided, single submitter. Criteria: Invitae Variant Classification Sherloc (09022015). Collection method: clinical testing. Allele origin: germline.
Comment: This sequence change replaces methionine, which is neutral and non-polar, with isoleucine, which is neutral and non-polar, at codon 3489 of the HMCN1 protein (p.Met3489Ile). This variant is present in population databases (rs757041629, gnomAD 0.03%). In summary, the available evidence is currently insufficient to determine the role of this variant in disease. Therefore, it has been classified as a Variant of Uncertain Significance. Algorithms developed to predict the effect of sequence changes on RNA splicing suggest that this variant may create or strengthen a splice site. An algorithm developed to predict the effect of missense changes on protein structure and function (PolyPhen-2) suggests that this variant is likely to be tolerated. ClinVar contains an entry for this variant (Variation ID: 2175004). This variant has not been reported in the literature in individuals affected with HMCN1-related conditions.